The following is an entry in ClinVar:

ClinVar aggregate classification (germline): Uncertain significance (1 of 4 stars; one submission).

Conditions:
Hereditary insensitivity to pain with anhidrosis (CIPA). Also called: INSENSITIVITY TO PAIN, CONGENITAL, WITH ANHIDROSIS; NTRK1 Congenital Insensitivity to Pain with Anhidrosis; HSAN Type IV; hereditary sensory and autonomic neuropathy type 4; FAMILIAL DYSAUTONOMIA, TYPE II; NEUROPATHY, CONGENITAL SENSORY, WITH ANHIDROSIS. Identifiers: Orphanet 642, MedGen C0020074, MONDO:0009746, OMIM 256800.

Allele frequency attached by ClinVar (database versions not stated): TOPMed below 0.00001.

Submission:

Labcorp Genetics (formerly Invitae), Labcorp
Classification: Uncertain significance for Hereditary insensitivity to pain with anhidrosis. Last evaluated: 2022-04-25. Review status: criteria provided, single submitter. Criteria: Invitae Variant Classification Sherloc (09022015). Collection method: clinical testing. Allele origin: germline.
Comment: This sequence change replaces lysine, which is basic and polar, with arginine, which is basic and polar, at codon 476 of the NTRK1 protein (p.Lys476Arg). This variant is not present in population databases (gnomAD no frequency). This variant has not been reported in the literature in individuals affected with NTRK1-related conditions. Advanced modeling of protein sequence and biophysical properties (such as structural, functional, and spatial information, amino acid conservation, physicochemical variation, residue mobility, and thermodynamic stability) performed at Invitae indicates that this missense variant is not expected to disrupt NTRK1 protein function. In summary, the available evidence is currently insufficient to determine the role of this variant in disease. Therefore, it has been classified as a Variant of Uncertain Significance.

NM_002529.4(NTRK1):c.1445A>G (p.Lys482Arg)

Gene: NTRK1 (neurotrophic receptor tyrosine kinase 1; plus strand). Cytogenetic location: 1q23.1.
Variant type: single nucleotide variant.
Coding change: c.1445A>G on transcript NM_002529.4 (MANE Select); coding-DNA position 1445, A replaced by G.
Protein change: p.Lys482Arg; replaces lysine 482 with arginine.
Molecular consequence: missense variant.
Genome position (GRCh38, 1-based): chr1:156,875,610, A>G. VCF-style: chr1-156875610-A-G. GRCh37 (hg19) VCF-style: chr1-156845402-A-G.
Other names: c.1445A>G, p.Lys482Arg (NM_001007204.1); c.1337A>G, p.Lys446Arg (NM_001007792.1); c.1427A>G, p.Lys476Arg (NM_001012331.2); short protein forms K476R, K446R, K482R.
Identifiers: ClinVar variation 2155243 (VCV002155243.1), dbSNP rs1343481745, ClinGen allele CA342937490.